The following is an entry in ClinVar:

ClinVar aggregate classification (germline): Pathogenic. Review status: criteria provided, multiple submitters, no conflicts (2 of 4 stars). 5 submissions from 5 submitters: Pathogenic (5). Last evaluated 2026-05-15.

Conditions:
CEP290-related disorder. Also called: CEP290-related condition; CEP290-related disorders. Identifiers: MedGen CN239314.
Nephronophthisis. Also called: Juvenile Nephronophthisis. Identifiers: Orphanet 655, MedGen C0687120, MONDO:0019005, HP:0000090.
Joubert syndrome. Also called: Familial aplasia of the vermis; JOUBERT-BOLTSHAUSER SYNDROME. Identifiers: Orphanet 475, MedGen C5979921, MONDO:0018772.
Meckel-Gruber syndrome. Also called: DYSENCEPHALIA SPLANCHNOCYSTICA; GRUBER SYNDROME; Dysencephalia splachnocystica. Identifiers: Orphanet 564, MedGen C0265215, MONDO:0018921.
Leber congenital amaurosis (LCA). Also called: Leber's amaurosis. Identifiers: Orphanet 65, MedGen C0339527, MeSH D057130, MONDO:0018998.
Bardet-Biedl syndrome 14 (BBS14). Identifiers: Orphanet 110, MedGen C2673874, MONDO:0014442, OMIM 615991.
Joubert syndrome 5 (JBTS5). Identifiers: Orphanet 2318, MedGen C1857780, MONDO:0012432, OMIM 610188.

Allele frequency attached by ClinVar (database versions not stated): gnomAD exomes below 0.00001; TOPMed below 0.00001; gnomAD 0.00001.

Submissions (5):

PreventionGenetics, part of Exact Sciences
Classification: Pathogenic for CEP290-related condition. Last evaluated: 2026-05-15. Review status: criteria provided, single submitter. Criteria: ACMG Guidelines, 2015. Collection method: clinical testing. Allele origin: germline.
Comment: The CEP290 c.3185delT variant is predicted to result in a frameshift and premature protein termination (p.Leu1062Argfs*3). This variant has been reported in individuals with Leber congenital amaurosis and Joubert syndrome (Wiszniewski et al 2011. PubMed ID: 21153841; Bachmann-Gagescu et al 2015. PubMed ID: 26092869). This variant has not been reported in a large population database, indicating it is rare. Frameshift variants in CEP290 are expected to be pathogenic. This variant is interpreted as pathogenic.

Natera, Inc.
Classification: Pathogenic for Leber congenital amaurosis. Last evaluated: 2025-08-04. Review status: criteria provided, single submitter. Criteria: Natera Variant Classification Schema (03/2026). Collection method: clinical testing. Allele origin: germline.
Comment: The c.3185delT variant in CEP290 is a frameshift variant predicted to shift the reading frame beginning at codon 1062 and leads to a stop codon 3 codons downstream. This variant is expected to result in nonsense mediated decay, truncation, or a dysfunctional protein product. This variant is rare in the general population with a frequency below the threshold expected for the associated phenotype(s). This variant has been observed in one or more individuals affected with the associated recessive disease, as either homozygous or compound heterozygous with a second variant (PMID: 21153841). Given the available evidence, this variant is classified as Pathogenic.

Baylor Genetics
Classification: Pathogenic for Bardet-Biedl syndrome 14. Last evaluated: 2024-02-20. Review status: criteria provided, single submitter. Criteria: ACMG Guidelines, 2015. Collection method: clinical testing. Allele origin: unknown.

Labcorp Genetics (formerly Invitae), Labcorp
Classification: Pathogenic for Joubert syndrome; Meckel-Gruber syndrome; Nephronophthisis. Last evaluated: 2023-12-02. Review status: criteria provided, single submitter. Criteria: Invitae Variant Classification Sherloc (09022015). Collection method: clinical testing. Allele origin: germline.
Comment: This sequence change creates a premature translational stop signal (p.Leu1062Argfs*3) in the CEP290 gene. It is expected to result in an absent or disrupted protein product. Loss-of-function variants in CEP290 are known to be pathogenic (PMID: 16909394, 17345604, 20690115). This variant is not present in population databases (gnomAD no frequency). This premature translational stop signal has been observed in individuals with Joubert syndrome and/or Leber congenital amaurosis (PMID: 21153841, 26092869). ClinVar contains an entry for this variant (Variation ID: 217638). Algorithms developed to predict the effect of sequence changes on RNA splicing suggest that this variant may disrupt the consensus splice site. For these reasons, this variant has been classified as Pathogenic.

UW Hindbrain Malformation Research Program, University of Washington
Classification: Pathogenic for Joubert syndrome 5. Last evaluated: 2015-02-23. Review status: criteria provided, single submitter. Criteria: Bachmann-Gagescu et al. (J Med Genet. 2015). Collection method: research. Allele origin: unknown. Affected: yes.

Literature cited by the submitters: PubMed 21153841 (cited by Natera, Inc. and Labcorp Genetics (formerly Invitae), Labcorp); PubMed 16909394 (cited by Labcorp Genetics (formerly Invitae), Labcorp); PubMed 17345604 (cited by Labcorp Genetics (formerly Invitae), Labcorp); PubMed 20690115 (cited by Labcorp Genetics (formerly Invitae), Labcorp); PubMed 26092869 (cited by Labcorp Genetics (formerly Invitae), Labcorp).

NM_025114.4(CEP290):c.3185del (p.Leu1062fs)

Gene: CEP290 (centrosomal protein 290; minus strand). Cytogenetic location: 12q21.32.
Variant type: Deletion.
Coding change: c.3185del on transcript NM_025114.4 (MANE Select); coding-DNA position 3185, one base deleted (T; older notation c.3185delT).
Protein change: p.Leu1062fs; shifts the reading frame from leucine 1062.
Molecular consequence: frameshift variant.
Genome position (GRCh38, 1-based): chr12:88,093,894, A deleted on the plus strand (T on the coding strand, the reverse complement: CEP290 is on the minus strand). VCF-style (leftmost placement, unchanged base first): chr12-88093893-CA-C. GRCh37 (hg19) VCF-style: chr12-88487670-CA-C.
Other names: c.3185delT (NM_025114.3); short protein forms L1062fs.
Identifiers: ClinVar variation 217638 (VCV000217638.13), dbSNP rs863225189, ClinGen allele CA279481.
Genomic context (GRCh38, chr12:88,093,893, plus strand): 5'-GTGTTCATACATTTTTTGACAATGTTCAGCCCGCTGCCTTTCATTTAATTCCTTCATTTC[CA>C]GCATAGTTATTTTTTTTGAAATGGAAACAATGTCACTGTTGGTTATTGATTTCTTTGCCT-3'